The following is an entry in ClinVar:

NM_006015.6(ARID1A):c.275G>A (p.Gly92Asp)

Gene: ARID1A (AT-rich interaction domain 1A; plus strand). Cytogenetic location: 1p36.11.
Variant type: single nucleotide variant.
Coding change: c.275G>A on transcript NM_006015.6 (MANE Select); coding-DNA position 275, G replaced by A.
Protein change: p.Gly92Asp; replaces glycine 92 with aspartic acid.
Molecular consequence: missense variant.
Genome position (GRCh38, 1-based): chr1:26,696,678, G>A. VCF-style: chr1-26696678-G-A. GRCh37 (hg19) VCF-style: chr1-27023169-G-A.
Other names: c.275G>A, p.Gly92Asp (NM_139135.4); short protein forms G92D.
Identifiers: ClinVar variation 2574822 (VCV002574822.2), dbSNP rs2124741098, ClinGen allele CA339264772.

ClinVar aggregate classification (germline): Uncertain significance (1 of 4 stars; one submission).

Submission:

GeneDx
Classification: Uncertain significance. Last evaluated: 2024-10-06. Review status: criteria provided, single submitter. Criteria: GeneDx Variant Classification Process June 2021. Collection method: clinical testing. Allele origin: germline. Affected: yes.
Comment: Not observed at significant frequency in large population cohorts (gnomAD); In silico analysis indicates that this missense variant does not alter protein structure/function; Has not been previously published as pathogenic or benign to our knowledge